The following is an entry in ClinVar:

NM_001430.5(EPAS1):c.2294T>G (p.Phe765Cys)

Gene: EPAS1 (endothelial PAS domain protein 1; plus strand). Cytogenetic location: 2p21.
Variant type: single nucleotide variant.
Coding change: c.2294T>G on transcript NM_001430.5 (MANE Select); coding-DNA position 2294, T replaced by G.
Protein change: p.Phe765Cys; replaces phenylalanine 765 with cysteine.
Molecular consequence: missense variant.
Genome position (GRCh38, 1-based): chr2:46,382,431, T>G. VCF-style: chr2-46382431-T-G. GRCh37 (hg19) VCF-style: chr2-46609570-T-G.
Other names: short protein forms F765C.
Identifiers: ClinVar variation 1789155 (VCV001789155.3), dbSNP rs1222698091, ClinGen allele CA346705961.
Genomic context (GRCh38, chr2:46,382,431, plus strand): 5'-CTCTCCCCTCCCTCAGGCCAATGCTACCGTCACTCTCTGACTTTGGTCTTTCAGATAAGT[T>G]CACCCAAAACCCCATGAGGGGCCTGGGCCATCCCCTGAGACATCTGCCGCTGCCACAGCC-3'
Protein context (NP_001421.2, residues 755-775): PLSANVPNDK[Phe765Cys]TQNPMRGLGH

ClinVar aggregate classification (germline): Uncertain significance (1 of 4 stars; one submission).

Conditions:
Inborn genetic diseases. Identifiers: MedGen C0950123, MeSH D030342.

Allele frequency attached by ClinVar (database versions not stated): gnomAD exomes below 0.00001.
gnomAD v4.1: 1 of 1,613,962 alleles (0.000062%); highest among the groups gnomAD compares: South Asian, 0.0011%; no homozygotes.

Submission:

Ambry Genetics
Classification: Uncertain significance for Inborn genetic diseases. Last evaluated: 2024-06-23. Review status: criteria provided, single submitter. Criteria: Ambry Variant Classification Scheme 2023. Collection method: clinical testing. Allele origin: germline.
Comment: The p.F765C variant (also known as c.2294T>G), located in coding exon 15 of the EPAS1 gene, results from a T to G substitution at nucleotide position 2294. The phenylalanine at codon 765 is replaced by cysteine, an amino acid with highly dissimilar properties. This amino acid position is conserved. In addition, the in silico prediction for this alteration is inconclusive. Since supporting evidence is limited at this time, the clinical significance of this alteration remains unclear.